The following is an entry in ClinVar:

ClinVar aggregate classification (germline): Uncertain significance (1 of 4 stars; one submission).

gnomAD v4.1: 81 of 1,612,116 alleles (0.005%); highest among the groups gnomAD compares: Non-Finnish European, 0.0062%; no homozygotes.

Submission:

Women's Health and Genetics/Laboratory Corporation of America, LabCorp
Classification: Uncertain significance. Last evaluated: 2026-04-10. Review status: criteria provided, single submitter. Criteria: LabCorp Variant Classification Summary - May 2015. Collection method: clinical testing. Allele origin: germline.
Comment: Variant summary: ABCA7 c.2614G>A (p.Val872Ile) results in a conservative amino acid change in the encoded protein sequence. Algorithms developed to predict the effect of missense changes on protein structure and function all suggest that this variant is likely to be tolerated. The variant allele was found at a frequency of 2.4e-05 in 249292 control chromosomes. The available data on variant occurrences in the general population are insufficient to allow any conclusion about variant significance. To our knowledge, no occurrence of c.2614G>A in individuals affected with ABCA7-related conditions and no experimental evidence demonstrating its impact on protein function have been reported. No submitters have cited clinical-significance assessments for this variant to ClinVar. Based on the evidence outlined above, the variant was classified as uncertain significance.

NM_019112.4(ABCA7):c.2614G>A (p.Val872Ile)

Gene: ABCA7 (ATP binding cassette subfamily A member 7; plus strand). Cytogenetic location: 19p13.3.
Variant type: single nucleotide variant.
Coding change: c.2614G>A on transcript NM_019112.4 (MANE Select); coding-DNA position 2614, G replaced by A.
Protein change: p.Val872Ile; replaces valine 872 with isoleucine.
Molecular consequence: missense variant.
Genome position (GRCh38, 1-based): chr19:1,050,982, G>A. VCF-style: chr19-1050982-G-A. GRCh37 (hg19) VCF-style: chr19-1050981-G-A.
Other names: short protein forms V872I.
Identifiers: ClinVar variation 4848675 (VCV004848675.1).
Genomic context (GRCh38, chr19:1,050,982, plus strand): 5'-TCCATCTTGAGTGGCCTCTTCCCACCCAGTGGTGGCTCTGCCTTCATCCTGGGCCACGAC[G>A]TCCGCTCCAGCATGGCCGCCATCCGGCCCCACCTGGGCGTCTGTCCTCAGTACAACGTGC-3'
Protein context (NP_061985.2, residues 862-882): GGSAFILGHD[Val872Ile]RSSMAAIRPH